The following is an entry in ClinVar:

NM_006721.4(ADK):c.917A>T (p.Gln306Leu)

Gene: ADK (adenosine kinase; plus strand). Cytogenetic location: 10q22.2.
Variant type: single nucleotide variant.
Coding change: c.917A>T on transcript NM_006721.4 (MANE Select); coding-DNA position 917, A replaced by T.
Protein change: p.Gln306Leu; replaces glutamine 306 with leucine.
Molecular consequence: missense variant. On other transcripts: nonsense (1).
Genome position (GRCh38, 1-based): chr10:74,670,222, A>T. VCF-style: chr10-74670222-A-T. GRCh37 (hg19) VCF-style: chr10-76429980-A-T.
Other names: c.866A>T, p.Gln289Leu (NM_001123.4); c.812A>T, p.Gln271Leu (NM_001202449.2); c.746A>T, p.Gln249Leu (NM_001202450.2); c.802A>T, p.Arg268Ter (NM_001369123.1); c.695A>T, p.Gln232Leu (NM_001369124.1); c.917A>T (NM_006721.3); short protein forms Q289L, Q271L, R268*, Q232L, Q249L, Q306L.
Identifiers: ClinVar variation 1375437 (VCV001375437.6), dbSNP rs767846626, ClinGen allele CA377398948.
Genomic context (GRCh38, chr10:74,670,222, plus strand): 5'-TTTCTTTGGCTCTAATTGCAGAAAGTGAAGTCACTGCTTTTGCTGTCTTGGATCAAGACC[A>T]GAAAGAAATTATTGATACCAATGGAGCTGGAGATGCATTTGTTGGAGGTACAGACTAATT-3'
Protein context (NP_006712.2, residues 296-316): VTAFAVLDQD[Gln306Leu]KEIIDTNGAG

ClinVar aggregate classification (germline): Uncertain significance. Review status: criteria provided, multiple submitters, no conflicts (2 of 4 stars). 2 submissions from 2 submitters: Uncertain significance (2). Last evaluated 2025-07-31.

Conditions:
Inborn genetic diseases. Identifiers: MedGen C0950123, MeSH D030342.

gnomAD v4.1: 6 of 1,614,018 alleles (0.00037%); highest among the groups gnomAD compares: Middle Eastern, 0.017%; no homozygotes.

Submissions (2):

Ambry Genetics
Classification: Uncertain significance for Inborn genetic diseases. Last evaluated: 2025-07-31. Review status: criteria provided, single submitter. Criteria: Ambry Variant Classification Scheme 2023. Collection method: clinical testing. Allele origin: germline.

Labcorp Genetics (formerly Invitae), Labcorp
Classification: Uncertain significance. Last evaluated: 2023-07-07. Review status: criteria provided, single submitter. Criteria: Invitae Variant Classification Sherloc (09022015). Collection method: clinical testing. Allele origin: germline.
Comment: In summary, the available evidence is currently insufficient to determine the role of this variant in disease. Therefore, it has been classified as a Variant of Uncertain Significance. An algorithm developed to predict the effect of missense changes on protein structure and function (PolyPhen-2) suggests that this variant¬†is likely to be tolerated. ClinVar contains an entry for this variant (Variation ID: 1375437). This variant has not been reported in the literature in individuals affected with ADK-related conditions. This variant is present in population databases (no rsID available, gnomAD 0.0009%). This sequence change replaces glutamine, which is neutral and polar, with leucine, which is neutral and non-polar, at codon 289 of the ADK protein (p.Gln289Leu).